The following is an entry in ClinVar:

ClinVar aggregate classification (germline): Uncertain significance (1 of 4 stars; one submission).

gnomAD v4.1: 1 of 1,206,083 alleles (0.000083%); highest among the groups gnomAD compares: Non-Finnish European, 0.00011%; no homozygotes.

Submission:

GeneDx
Classification: Uncertain significance. Last evaluated: 2026-09-25. Review status: criteria provided, single submitter. Criteria: GeneDx Variant Classification Process June 2021. Collection method: clinical testing. Allele origin: germline.
Comment: Not observed at significant frequency in large population cohorts (gnomAD); In silico analysis indicates that this missense variant does not alter protein structure/function; Has not been previously published as pathogenic or benign to our knowledge

NM_031407.7(HUWE1):c.1531A>G (p.Met511Val)

Gene: HUWE1 (HECT, UBA and WWE domain containing E3 ubiquitin protein ligase 1; minus strand). Cytogenetic location: Xp11.22.
Variant type: single nucleotide variant.
Coding change: c.1531A>G on transcript NM_031407.7 (MANE Select); coding-DNA position 1531, A replaced by G.
Protein change: p.Met511Val; replaces methionine 511 with valine.
Molecular consequence: missense variant.
Genome position (GRCh38, 1-based): chrX:53,625,217, T>C on the plus strand (A>G on the coding strand, the complement: HUWE1 is on the minus strand). VCF-style: chrX-53625217-T-C. GRCh37 (hg19) VCF-style: chrX-53652178-T-C.
Other names: short protein forms M511V.
Identifiers: ClinVar variation 3600972 (VCV003600972.2).